The following is an entry in ClinVar:

ClinVar aggregate classification (germline): Pathogenic (1 of 4 stars; one submission).

Conditions:
Combined deficiency of sialidase AND beta galactosidase (GSL). Also called: CATHEPSIN A DEFICIENCY; GOLDBERG SYNDROME; NEURAMINIDASE DEFICIENCY WITH BETA-GALACTOSIDASE DEFICIENCY; NEURAMINIDASE/BETA-GALACTOSIDASE EXPRESSION; PPCA DEFICIENCY; PROTECTIVE PROTEIN/CATHEPSIN A DEFICIENCY. Identifiers: Orphanet 351, MedGen C0268233, MONDO:0009737, OMIM 256540.

Allele frequency attached by ClinVar (database versions not stated): gnomAD 0.00002; ExAC 0.00001; gnomAD exomes below 0.00001; TOPMed 0.00001.
gnomAD v4.1: 5 of 1,614,018 alleles (0.00031%); highest among the groups gnomAD compares: Non-Finnish European, 0.00042%; no homozygotes.

Submissions (2):

Labcorp Genetics (formerly Invitae), Labcorp
Classification: Pathogenic for Combined deficiency of sialidase AND beta galactosidase. Last evaluated: 2025-12-11. Review status: criteria provided, single submitter. Criteria: Invitae Variant Classification Sherloc (09022015). Collection method: clinical testing. Allele origin: germline.
Comment: This sequence change creates a premature translational stop signal (p.Trp135*) in the CTSA gene. It is expected to result in an absent or disrupted protein product. Loss-of-function variants in CTSA are known to be pathogenic (PMID: 15110321, 23915561). This variant is present in population databases (rs757912971, gnomAD 0.0009%). This variant has not been reported in the literature in individuals affected with CTSA-related conditions. ClinVar contains an entry for this variant (Variation ID: 2968562). Algorithms developed to predict the effect of sequence changes on RNA splicing suggest that this variant may disrupt the consensus splice site. For these reasons, this variant has been classified as Pathogenic.

Dr. Peter K. Rogan Lab, Western University
No classification provided (evidence only). Condition: Malignant tumor of urinary bladder. Review status: no classification provided. Collection method: in vitro. Allele origin: not applicable. Functional consequence: skipped exon. Not counted in ClinVar's aggregate classification.

Literature cited by the submitters: PubMed 15110321 (cited by Labcorp Genetics (formerly Invitae), Labcorp); PubMed 23915561 (cited by Labcorp Genetics (formerly Invitae), Labcorp).

NM_000308.4(CTSA):c.350G>A (p.Trp117Ter)

Gene: CTSA (cathepsin A; plus strand). Cytogenetic location: 20q13.12.
Variant type: single nucleotide variant.
Coding change: c.350G>A on transcript NM_000308.4 (MANE Select); coding-DNA position 350, G replaced by A.
Protein change: p.Trp117Ter; replaces tryptophan 117 with a stop codon.
Molecular consequence: nonsense. On other transcripts: non-coding transcript variant (1), intron variant (1).
Genome position (GRCh38, 1-based): chr20:45,892,316, G>A. VCF-style: chr20-45892316-G-A. GRCh37 (hg19) VCF-style: chr20-44520955-G-A.
Other names: c.350G>A, p.Trp117Ter (NM_001127695.3); c.307-82G>A (NM_001167594.3); short protein forms W117*.
Identifiers: ClinVar variation 2968562 (VCV002968562.4), dbSNP rs757912971, ClinGen allele CA9883002.